The following is an entry in ClinVar:

NM_001146079.2(CLDN14):c.2_20del (p.Met1fs)

Genes: CLDN14 (claudin 14; minus strand), CLDN14-AS1 (CLDN14 antisense RNA 1; plus strand). Cytogenetic location: 21q22.13.
Variant type: Deletion.
Coding change: c.2_20del on transcript NM_001146079.2 (MANE Select); coding-DNA positions 2 to 20, 19 bases deleted (TGGCCAGCACGGCCGTGCA).
Protein change: p.Met1fs; shifts the reading frame from methionine 1.
Molecular consequence: frameshift variant, initiator codon variant.
Genome position (GRCh38, 1-based): chr21:36,461,676-36,461,694, TGCACGGCCGTGCTGGCCA deleted on the plus strand (TGGCCAGCACGGCCGTGCA on the coding strand, the reverse complement: CLDN14 is on the minus strand); deleting any 19 consecutive bases within chr21:36,461,676-36,461,696 gives the same sequence; the c. name uses the placement nearest the transcript's 3' end. VCF-style (leftmost placement, unchanged base first): chr21-36461675-CTGCACGGCCGTGCTGGCCA-C. GRCh37 (hg19) VCF-style: chr21-37833973-CTGCACGGCCGTGCTGGCCA-C.
Other names: c.2_20del, p.Met1fs (NM_001146077.2, NM_001146078.3, NM_012130.4 and 1 more transcripts); short protein forms M1fs.
Identifiers: ClinVar variation 3903292 (VCV003903292.1).

ClinVar aggregate classification (germline): Uncertain significance (1 of 4 stars; one submission).

Submission:

GeneDx
Classification: Uncertain significance. Last evaluated: 2024-12-12. Review status: criteria provided, single submitter. Criteria: GeneDx Variant Classification Process June 2021. Collection method: clinical testing. Allele origin: germline. Affected: yes.
Comment: Deletion of the Initiation codon in a gene for which loss-of-function is a known mechanism of disease; however, a downstream in-frame Methionine residue could serve as an alternate initiator codon which, if utilized, may result in a functional protein; Not observed at significant frequency in large population cohorts (gnomAD); Has not been previously published as pathogenic or benign to our knowledge